The following is an entry in ClinVar:

NM_000466.3(PEX1):c.1927dup (p.Thr643fs)

Gene: PEX1 (peroxisomal biogenesis factor 1; minus strand). Cytogenetic location: 7q21.2.
Variant type: Duplication.
Coding change: c.1927dup on transcript NM_000466.3 (MANE Select); coding-DNA position 1927, one base duplicated (A; older notation c.1927dupA).
Protein change: p.Thr643fs; shifts the reading frame from threonine 643.
Molecular consequence: frameshift variant. On other transcripts: intron variant (1).
Genome position (GRCh38, 1-based): chr7:92,504,876, T duplicated on the plus strand (A on the coding strand, the reverse complement: PEX1 is on the minus strand); the first of 6 consecutive T bases (chr7:92,504,876-92,504,881); duplicating any one gives the same sequence. VCF-style (leftmost placement, unchanged base first): chr7-92504875-G-GT. GRCh37 (hg19) VCF-style: chr7-92134189-G-GT.
Other names: c.1303dup, p.Thr435fs (NM_001282678.2); c.1900+1367dup (NM_001282677.2); c.1927dupA (NM_000466.2); short protein forms T643fs, T435fs.
Identifiers: ClinVar variation 558710 (VCV000558710.8), dbSNP rs1554372180, ClinGen allele CA658823123.

ClinVar aggregate classification (germline): Pathogenic. Review status: criteria provided, multiple submitters, no conflicts (2 of 4 stars). 3 submissions from 3 submitters: Pathogenic (2). 1 of the submissions does not count toward it. Last evaluated 2023-12-13.

Conditions:
Heimler syndrome 1 (HMLR1). Also called: PEROXISOME BIOGENESIS DISORDER 1C. Identifiers: Orphanet 3220, MedGen C4551980, OMIM 234580, MONDO:0024544.
Zellweger spectrum disorders (ZS). Also called: Zellweger Spectrum Disorder (ZSD); Zellweger Spectrum Disorder; Zellweger Spectrum; Zellweger syndrome. Identifiers: Orphanet 912, MedGen C0043459, MONDO:0019609.
Peroxisome biogenesis disorder 1A (Zellweger) (PBD1A). Also called: Zellweger leukodystrophy; Peroxisome biogenesis disorder 1a. Identifiers: MedGen C4721541, MONDO:0008953, OMIM 214100.

Submissions (3):

Labcorp Genetics (formerly Invitae), Labcorp
Classification: Pathogenic for Zellweger spectrum disorders. Last evaluated: 2023-12-13. Review status: criteria provided, single submitter. Criteria: Invitae Variant Classification Sherloc (09022015). Collection method: clinical testing. Allele origin: germline.
Comment: This sequence change creates a premature translational stop signal (p.Thr643Asnfs*21) in the PEX1 gene. It is expected to result in an absent or disrupted protein product. Loss-of-function variants in PEX1 are known to be pathogenic (PMID: 21031596, 26387595, 31831025). This variant is not present in population databases (gnomAD no frequency). This variant has not been reported in the literature in individuals affected with PEX1-related conditions. ClinVar contains an entry for this variant (Variation ID: 558710). For these reasons, this variant has been classified as Pathogenic.

Baylor Genetics
Classification: Pathogenic for Heimler syndrome 1. Last evaluated: 2023-06-17. Review status: criteria provided, single submitter. Criteria: ACMG Guidelines, 2015. Collection method: clinical testing. Allele origin: unknown.

Counsyl
Classification: Likely pathogenic for Peroxisome biogenesis disorder 1A (Zellweger). Last evaluated: 2018-06-06. Review status: no assertion criteria provided. Collection method: clinical testing. Allele origin: unknown. Not counted in ClinVar's aggregate classification.

Literature cited by the submitters: PubMed 21031596 (cited by Labcorp Genetics (formerly Invitae), Labcorp); PubMed 26387595 (cited by Labcorp Genetics (formerly Invitae), Labcorp); PubMed 31831025 (cited by Labcorp Genetics (formerly Invitae), Labcorp); PubMed 26594346 (cited by Counsyl).